The following is an entry in ClinVar:

NM_001242957.3(MAK):c.1183C>T (p.Arg395Cys)

Gene: MAK (male germ cell associated kinase; minus strand). Cytogenetic location: 6p24.2.
Variant type: single nucleotide variant.
Coding change: c.1183C>T on transcript NM_001242957.3 (MANE Select); coding-DNA position 1183, C replaced by T.
Protein change: p.Arg395Cys; replaces arginine 395 with cysteine.
Molecular consequence: missense variant. On other transcripts: non-coding transcript variant (2).
Genome position (GRCh38, 1-based): chr6:10,791,808, G>A on the plus strand (C>T on the coding strand, the complement: MAK is on the minus strand). VCF-style: chr6-10791808-G-A. GRCh37 (hg19) VCF-style: chr6-10792041-G-A.
Other names: c.1183C>T, p.Arg395Cys (NM_001242385.2, NM_005906.6); c.1081C>T, p.Arg361Cys (NM_001377262.1); c.1183C>T (NM_005906.4); short protein forms R395C, R361C.
Identifiers: ClinVar variation 1035139 (VCV001035139.6), dbSNP rs753974545, ClinGen allele CA3633521.

ClinVar aggregate classification (germline): Uncertain significance. Review status: criteria provided, multiple submitters, no conflicts (2 of 4 stars). 3 submissions from 3 submitters: Uncertain significance (3). Last evaluated 2024-10-25.

Conditions:
Inborn genetic diseases. Identifiers: MedGen C0950123, MeSH D030342.

Allele frequency attached by ClinVar (database versions not stated): ExAC 0.00001; gnomAD exomes 0.00001 and 0.00002; gnomAD 0.00002; TOPMed 0.00006.
gnomAD v4.1: 18 of 1,613,878 alleles (0.0011%); highest among the groups gnomAD compares: African/African-American, 0.011%; no homozygotes.

Submissions (3):

Labcorp Genetics (formerly Invitae), Labcorp
Classification: Uncertain significance. Last evaluated: 2024-10-25. Review status: criteria provided, single submitter. Criteria: Invitae Variant Classification Sherloc (09022015). Collection method: clinical testing. Allele origin: germline.
Comment: This sequence change replaces arginine, which is basic and polar, with cysteine, which is neutral and slightly polar, at codon 395 of the MAK protein (p.Arg395Cys). This variant is present in population databases (rs753974545, gnomAD 0.007%). This variant has not been reported in the literature in individuals affected with MAK-related conditions. ClinVar contains an entry for this variant (Variation ID: 1035139). Invitae Evidence Modeling of protein sequence and biophysical properties (such as structural, functional, and spatial information, amino acid conservation, physicochemical variation, residue mobility, and thermodynamic stability) indicates that this missense variant is expected to disrupt MAK protein function with a positive predictive value of 80%. In summary, the available evidence is currently insufficient to determine the role of this variant in disease. Therefore, it has been classified as a Variant of Uncertain Significance.

Blueprint Genetics
Classification: Uncertain significance. Last evaluated: 2023-04-17. Review status: criteria provided, single submitter. Criteria: ACMG Guidelines, 2015. Collection method: clinical testing. Allele origin: germline.

Ambry Genetics
Classification: Uncertain significance for Inborn genetic diseases. Last evaluated: 2023-04-08. Review status: criteria provided, single submitter. Criteria: Ambry Variant Classification Scheme 2023. Collection method: clinical testing. Allele origin: germline.